The following is an entry in ClinVar:

ClinVar aggregate classification (germline): Uncertain significance (1 of 4 stars; one submission).

Submission:

Labcorp Genetics (formerly Invitae), Labcorp
Classification: Uncertain significance. Last evaluated: 2021-04-26. Review status: criteria provided, single submitter. Criteria: Invitae Variant Classification Sherloc (09022015). Collection method: clinical testing. Allele origin: germline.
Comment: In summary, the available evidence is currently insufficient to determine the role of this variant in disease. Therefore, it has been classified as a Variant of Uncertain Significance. Algorithms developed to predict the effect of missense changes on protein structure and function are either unavailable or do not agree on the potential impact of this missense change (SIFT: "Tolerated"; PolyPhen-2: "Possibly Damaging"; Align-GVGD: "Class C0"). This variant has not been reported in the literature in individuals with RBPJ-related conditions. This variant is not present in population databases (ExAC no frequency). This sequence change replaces proline with arginine at codon 99 of the RBPJ protein (p.Pro99Arg). The proline residue is highly conserved and there is a moderate physicochemical difference between proline and arginine.

NM_015874.6(RBPJ):c.257C>G (p.Pro86Arg)

Gene: RBPJ (recombination signal binding protein for immunoglobulin kappa J region; plus strand). Cytogenetic location: 4p15.2.
Variant type: single nucleotide variant.
Coding change: c.257C>G on transcript NM_015874.6 (MANE Select); coding-DNA position 257, C replaced by G.
Protein change: p.Pro86Arg; replaces proline 86 with arginine.
Molecular consequence: missense variant.
Genome position (GRCh38, 1-based): chr4:26,415,576, C>G. VCF-style: chr4-26415576-C-G. GRCh37 (hg19) VCF-style: chr4-26417198-C-G.
Other names: c.191C>G, p.Pro64Arg (NM_001363577.2, NM_203283.5); c.296C>G, p.Pro99Arg (NM_001374400.1, NM_001379408.1, NM_005349.4); c.254C>G, p.Pro85Arg (NM_001374401.1, NM_001374402.1, NM_001374403.1 and 3 more transcripts); c.251C>G, p.Pro84Arg (NM_001379409.1); short protein forms P86R, P64R, P84R, P85R, P99R.
Identifiers: ClinVar variation 1475881 (VCV001475881.8), dbSNP rs752922399, ClinGen allele CA356669915.